The following is an entry in ClinVar:

ClinVar aggregate classification (germline): Pathogenic/Likely pathogenic. Review status: criteria provided, multiple submitters, no conflicts (2 of 4 stars). 5 submissions from 3 submitters: Pathogenic (1); Likely pathogenic (4). Last evaluated 2024-11-11.

Conditions:
Pigmented paravenous retinochoroidal atrophy. Identifiers: Orphanet 251295, MedGen C1868310, MONDO:0008246, OMIM 172870.
Leber congenital amaurosis 8 (LCA8). Identifiers: Orphanet 65, MedGen C3151202, MONDO:0013453, OMIM 613835.
Retinitis pigmentosa 12 (RP12). Also called: RP WITH OR WITHOUT PPRPE; RP WITH OR WITHOUT PRESERVED PARAARTERIOLE RETINAL PIGMENT EPITHELIUM; RETINITIS PIGMENTOSA WITH OR WITHOUT PARAARTERIOLAR PRESERVATION OF RETINAL PIGMENT EPITHELIUM. Identifiers: Orphanet 791, MedGen C1838647, MONDO:0010818, OMIM 600105.
CRB1-related disorder. Also called: CRB1-related disorders; CRB1-related condition.

Allele frequency attached by ClinVar (database versions not stated): gnomAD exomes below 0.00001.
gnomAD v4.1: 1 of 1,613,996 alleles (0.000062%); highest among the groups gnomAD compares: Non-Finnish European, 0.000085%; no homozygotes.

Submissions (5):

Labcorp Genetics (formerly Invitae), Labcorp
Classification: Pathogenic for Leber congenital amaurosis 8; Retinitis pigmentosa 12. Last evaluated: 2024-11-11. Review status: criteria provided, single submitter. Criteria: Invitae Variant Classification Sherloc (09022015). Collection method: clinical testing. Allele origin: germline.
Comment: This sequence change replaces glycine, which is neutral and non-polar, with arginine, which is basic and polar, at codon 833 of the CRB1 protein (p.Gly833Arg). This variant is not present in population databases (gnomAD no frequency). This missense change has been observed in individual(s) with CRB1-related conditions (internal data). In at least one individual the data is consistent with being in trans (on the opposite chromosome) from a pathogenic variant. ClinVar contains an entry for this variant (Variation ID: 866264). Invitae Evidence Modeling of protein sequence and biophysical properties (such as structural, functional, and spatial information, amino acid conservation, physicochemical variation, residue mobility, and thermodynamic stability) indicates that this missense variant is expected to disrupt CRB1 protein function with a positive predictive value of 95%. This variant disrupts the p.Gly833 amino acid residue in CRB1. Other variant(s) that disrupt this residue have been determined to be pathogenic (PMID: 23449718, 25356976). This suggests that this residue is clinically significant, and that variants that disrupt this residue are likely to be disease-causing. For these reasons, this variant has been classified as Pathogenic.

Genome-Nilou Lab
Classification: Likely pathogenic for Leber congenital amaurosis 8. Last evaluated: 2023-04-11. Review status: criteria provided, single submitter. Criteria: ACMG Guidelines, 2015. Collection method: clinical testing. Allele origin: germline. Affected: no.

Genome-Nilou Lab
Classification: Likely pathogenic for Pigmented paravenous retinochoroidal atrophy. Last evaluated: 2023-04-11. Review status: criteria provided, single submitter. Criteria: ACMG Guidelines, 2015. Collection method: clinical testing. Allele origin: germline. Affected: no.

Genome-Nilou Lab
Classification: Likely pathogenic for Retinitis pigmentosa 12. Last evaluated: 2023-04-11. Review status: criteria provided, single submitter. Criteria: ACMG Guidelines, 2015. Collection method: clinical testing. Allele origin: germline. Affected: no.

Blueprint Genetics
Classification: Likely pathogenic for CRB1-related disorders. Last evaluated: 2019-01-15. Review status: criteria provided, single submitter. Criteria: ACMG Guidelines, 2015. Collection method: clinical testing. Allele origin: germline. Affected: yes. Observed: 1 variant allele.

Literature cited by the submitters: PubMed 23449718 (cited by Labcorp Genetics (formerly Invitae), Labcorp); PubMed 25356976 (cited by Labcorp Genetics (formerly Invitae), Labcorp).

NM_201253.3(CRB1):c.2497G>C (p.Gly833Arg)

Gene: CRB1 (crumbs cell polarity complex component 1; plus strand). Cytogenetic location: 1q31.3.
Variant type: single nucleotide variant.
Coding change: c.2497G>C on transcript NM_201253.3 (MANE Select); coding-DNA position 2497, G replaced by C.
Protein change: p.Gly833Arg; replaces glycine 833 with arginine.
Molecular consequence: missense variant. On other transcripts: non-coding transcript variant (2), intron variant (1).
Genome position (GRCh38, 1-based): chr1:197,427,822, G>C. VCF-style: chr1-197427822-G-C. GRCh37 (hg19) VCF-style: chr1-197396952-G-C.
Other names: c.2161G>C, p.Gly721Arg (NM_001193640.2); c.2290G>C, p.Gly764Arg (NM_001257965.2); c.2128+5866G>C (NM_001257966.2); short protein forms G721R, G764R, G833R.
Identifiers: ClinVar variation 866264 (VCV000866264.8), dbSNP rs1664671663, ClinGen allele CA344037792.